The following is an entry in ClinVar:

NM_017514.5(PLXNA3):c.1295C>T (p.Thr432Met)

Gene: PLXNA3 (plexin A3; plus strand). Cytogenetic location: Xq28.
Variant type: single nucleotide variant.
Coding change: c.1295C>T on transcript NM_017514.5 (MANE Select); coding-DNA position 1295, C replaced by T.
Protein change: p.Thr432Met; replaces threonine 432 with methionine.
Molecular consequence: missense variant.
Genome position (GRCh38, 1-based): chrX:154,462,288, C>T. VCF-style: chrX-154462288-C-T. GRCh37 (hg19) VCF-style: chrX-153690628-C-T.
Other names: short protein forms T432M.
Identifiers: ClinVar variation 3057320 (VCV003057320.2), dbSNP rs1557205037, ClinGen allele CA415233445.

ClinVar aggregate classification (germline): Uncertain significance (0 of 4 stars; one submission).

Conditions:
PLXNA3-related disorder. Also called: PLXNA3-related condition.

Allele frequency attached by ClinVar (database versions not stated): gnomAD exomes below 0.00001; gnomAD 0.00001; TOPMed 0.00002; 1000 Genomes Project 30x 0.00021.
gnomAD v4.1: 2 of 1,158,492 alleles (0.00017%); highest among the groups gnomAD compares: Non-Finnish European, 0.00023%; no homozygotes.

Submission:

PreventionGenetics, part of Exact Sciences
Classification: Uncertain significance for PLXNA3-related condition. Last evaluated: 2024-02-16. Review status: no assertion criteria provided. Collection method: clinical testing. Allele origin: germline.
Comment: The PLXNA3 c.1295C>T variant is predicted to result in the amino acid substitution p.Thr432Met. To our knowledge, this variant has not been reported in the literature or in a large population database, indicating this variant is rare. At this time, the clinical significance of this variant is uncertain due to the absence of conclusive functional and genetic evidence.